The following is an entry in ClinVar:

ClinVar aggregate classification (germline): Uncertain significance (1 of 4 stars; one submission).

Conditions:
Cardiovascular phenotype. Identifiers: MedGen CN230736.
Hereditary cancer-predisposing syndrome. Also called: Neoplastic Syndromes, Hereditary; Tumor predisposition; Hereditary Cancer Syndrome; Hereditary neoplastic syndrome. Identifiers: Orphanet 140162, MedGen C0027672, MeSH D009386, MONDO:0015356.

gnomAD v4.1: 1 of 1,549,606 alleles (0.000065%); highest among the groups gnomAD compares: Non-Finnish European, 0.000087%; no homozygotes.

Submission:

Ambry Genetics
Classification: Uncertain significance for Cardiovascular phenotype; Hereditary cancer-predisposing syndrome. Last evaluated: 2025-09-24. Review status: criteria provided, single submitter. Criteria: Ambry Variant Classification Scheme 2023. Collection method: clinical testing. Allele origin: germline.
Comment: The c.-3G>C variant is located in the 5' untranslated region (5&rsquo; UTR) of the LZTR1 gene. This variant results from a G to C substitution 3 bases upstream from the first translated codon. This nucleotide position is well conserved in available vertebrate species. Based on the available evidence, the clinical significance of this variant remains unclear.

NM_006767.4(LZTR1):c.-3G>C

Genes: LZTR1 (leucine zipper like post translational regulator 1; plus strand), LOC130067016 (ATAC-STARR-seq lymphoblastoid silent region 13504; plus strand). Cytogenetic location: 22q11.21.
Variant type: single nucleotide variant.
Coding change: c.-3G>C on transcript NM_006767.4 (MANE Select); 3 bases upstream of the start codon, G replaced by C.
Molecular consequence: 5 prime UTR variant.
Genome position (GRCh38, 1-based): chr22:20,982,369, G>C. VCF-style: chr22-20982369-G-C. GRCh37 (hg19) VCF-style: chr22-21336658-G-C.
Identifiers: ClinVar variation 4615607 (VCV004615607.1).